The following is an entry in ClinVar:

ClinVar aggregate classification (germline): Uncertain significance (1 of 4 stars; one submission).

Allele frequency attached by ClinVar (database versions not stated): gnomAD exomes below 0.00001; ExAC 0.00001; gnomAD 0.00001; TOPMed 0.00001.
gnomAD v4.1: 7 of 1,573,124 alleles (0.00044%); highest among the groups gnomAD compares: African/African-American, 0.0015%; no homozygotes.

Submission:

Labcorp Genetics (formerly Invitae), Labcorp
Classification: Uncertain significance. Last evaluated: 2025-08-17. Review status: criteria provided, single submitter. Criteria: Invitae Variant Classification Sherloc (09022015). Collection method: clinical testing. Allele origin: germline.
Comment: This sequence change replaces glycine, which is neutral and non-polar, with serine, which is neutral and polar, at codon 349 of the GATA5 protein (p.Gly349Ser). This variant is present in population databases (rs781800474, gnomAD 0.001%). This variant has not been reported in the literature in individuals affected with GATA5-related conditions. ClinVar contains an entry for this variant (Variation ID: 1474724). Invitae Evidence Modeling of protein sequence and biophysical properties (such as structural, functional, and spatial information, amino acid conservation, physicochemical variation, residue mobility, and thermodynamic stability) indicates that this missense variant is not expected to disrupt GATA5 protein function with a negative predictive value of 80%. In summary, the available evidence is currently insufficient to determine the role of this variant in disease. Therefore, it has been classified as a Variant of Uncertain Significance.

NM_080473.5(GATA5):c.1045G>A (p.Gly349Ser)

Gene: GATA5 (GATA binding protein 5; minus strand). Cytogenetic location: 20q13.33.
Variant type: single nucleotide variant.
Coding change: c.1045G>A on transcript NM_080473.5 (MANE Select); coding-DNA position 1045, G replaced by A.
Protein change: p.Gly349Ser; replaces glycine 349 with serine.
Molecular consequence: missense variant.
Genome position (GRCh38, 1-based): chr20:62,464,985, C>T on the plus strand (G>A on the coding strand, the complement: GATA5 is on the minus strand). VCF-style: chr20-62464985-C-T. GRCh37 (hg19) VCF-style: chr20-61040041-C-T.
Other names: short protein forms G349S.
Identifiers: ClinVar variation 1474724 (VCV001474724.6), dbSNP rs781800474, ClinGen allele CA9946050.